The following is an entry in ClinVar:

ClinVar aggregate classification (germline): Uncertain significance. Review status: criteria provided, multiple submitters, no conflicts (2 of 4 stars). 2 submissions from 2 submitters: Uncertain significance (2). Last evaluated 2026-04-13.

Conditions:
NRP1-related disorder. Also called: NRP1-related condition.

gnomAD v4.1: 3 of 1,613,888 alleles (0.00019%); highest among the groups gnomAD compares: Admixed American, 0.005%; no homozygotes.

Submissions (2):

PreventionGenetics, part of Exact Sciences
Classification: Uncertain significance for NRP1-related condition. Last evaluated: 2026-04-13. Review status: criteria provided, single submitter. Criteria: ACMG Guidelines, 2015. Collection method: clinical testing. Allele origin: germline.
Comment: The NRP1 c.508A>G variant is predicted to result in the amino acid substitution p.Ser170Gly. To our knowledge, this variant has not been reported in the literature or in a large population database (gnomAD), indicating this variant is rare. At this time, the clinical significance of this variant is uncertain due to the absence of conclusive functional and genetic evidence.

Ambry Genetics
Classification: Uncertain significance. Last evaluated: 2024-10-20. Review status: criteria provided, single submitter. Criteria: Ambry Variant Classification Scheme 2023. Collection method: clinical testing. Allele origin: germline.

NM_003873.7(NRP1):c.508A>G (p.Ser170Gly)

Genes: NRP1 (neuropilin 1; minus strand), LOC126860910 (P300/CBP strongly-dependent group 1 enhancer GRCh37_chr10:33552654-33553853; plus strand). Cytogenetic location: 10p11.22.
Variant type: single nucleotide variant.
Coding change: c.508A>G on transcript NM_003873.7 (MANE Select); coding-DNA position 508, A replaced by G.
Protein change: p.Ser170Gly; replaces serine 170 with glycine.
Molecular consequence: missense variant. On other transcripts: non-coding transcript variant (1).
Genome position (GRCh38, 1-based): chr10:33,263,796, T>C on the plus strand (A>G on the coding strand, the complement: NRP1 is on the minus strand). VCF-style: chr10-33263796-T-C. GRCh37 (hg19) VCF-style: chr10-33552724-T-C.
Other names: c.508A>G, p.Ser170Gly (NM_001024628.3, NM_001024629.3, NM_001244972.2 and 2 more transcripts); short protein forms S170G.
Identifiers: ClinVar variation 3407867 (VCV003407867.2).